The following is an entry in ClinVar:

ClinVar aggregate classification (germline): Likely pathogenic (1 of 4 stars; one submission).

Conditions:
ELP2-related disorder. Also called: ELP2-Related Disorders; ELP2-related condition.

Submission:

GeneDx
Classification: Likely pathogenic. Last evaluated: 2018-12-20. Review status: criteria provided, single submitter. Criteria: GeneDx Variant Classification (06012015). Collection method: clinical testing. Allele origin: germline. Affected: yes.
Comment: The c.1713_1716delTAAA variant in the ELP2 gene has not been reported previously as a pathogenic variant, nor as a benign variant, to our knowledge. The c.1713_1716delTAAA variant causes a frameshift starting with codon Asparagine 571, changes this amino acid to a Lysine residue, and creates a premature Stop codon at position 8 of the new reading frame, denoted p.Asn571LysfsX8. This variant is predicted to cause loss of normal protein function either through protein truncation or nonsense-mediated mRNA decay. The c.1713_1716delTAAA variant is not observed in large population cohorts (Lek et al., 2016; 1000 Genomes Consortium et al., 2015; Exome Variant Server). We interpret c.1713_1716delTAAA as a likely pathogenic variant.

NM_018255.4(ELP2):c.1518_1521del (p.Asn506fs)

Gene: ELP2 (elongator acetyltransferase complex subunit 2; plus strand). Cytogenetic location: 18q12.2.
Variant type: Deletion.
Coding change: c.1518_1521del on transcript NM_018255.4 (MANE Select); coding-DNA positions 1518 to 1521, 4 bases deleted (TAAA; older notation c.1518_1521delTAAA).
Protein change: p.Asn506fs; shifts the reading frame from asparagine 506.
Molecular consequence: frameshift variant. On other transcripts: non-coding transcript variant (4).
Genome position (GRCh38, 1-based): chr18:36,158,888-36,158,891, TAAA deleted; deleting any 4 consecutive bases within chr18:36,158,885-36,158,891 gives the same sequence; the c. name uses the placement nearest the transcript's 3' end. VCF-style (leftmost placement, unchanged base first): chr18-36158884-CAAAT-C. GRCh37 (hg19) VCF-style: chr18-33738847-CAAAT-C.
Other names: c.1713_1716del, p.Asn571fs (NM_001242875.3); c.1503_1506del, p.Asn501fs (NM_001242876.3); c.1440_1443del, p.Asn480fs (NM_001242877.3); c.1308_1311del, p.Asn436fs (NM_001242878.3, NM_001242879.3); c.1386_1389del, p.Asn462fs (NM_001324465.2); c.1635_1638del, p.Asn545fs (NM_001324466.2); c.1368_1371del, p.Asn456fs (NM_001324467.2); c.1071_1074del, p.Asn357fs (NM_001324468.2); short protein forms N357fs, N506fs, N462fs, N501fs, N436fs, N456fs, N480fs, N545fs.
Identifiers: ClinVar variation 432384 (VCV000432384.3), dbSNP rs867944805, ClinGen allele CA298684626.